The following is an entry in ClinVar:

ClinVar aggregate classification (germline): Uncertain significance (1 of 4 stars; one submission).

Submission:

GeneDx
Classification: Uncertain significance. Last evaluated: 2024-09-22. Review status: criteria provided, single submitter. Criteria: GeneDx Variant Classification Process June 2021. Collection method: clinical testing. Allele origin: germline. Affected: yes.
Comment: Reported in a patient with a neurodevelopmental disorder in published literature; however, no further clinical or segregation information was provided (PMID: 33004838); Not observed at significant frequency in large population cohorts (gnomAD); In silico analysis supports that this missense variant has a deleterious effect on protein structure/function; This variant is associated with the following publications: (PMID: 33004838)

NM_205768.3(ZBTB18):c.1414G>A (p.Glu472Lys)

Gene: ZBTB18 (zinc finger and BTB domain containing 18; plus strand). Cytogenetic location: 1q44.
Variant type: single nucleotide variant.
Coding change: c.1414G>A on transcript NM_205768.3 (MANE Select); coding-DNA position 1414, G replaced by A.
Protein change: p.Glu472Lys; replaces glutamic acid 472 with lysine.
Molecular consequence: missense variant. On other transcripts: 3 prime UTR variant (1).
Genome position (GRCh38, 1-based): chr1:244,055,188, G>A. VCF-style: chr1-244055188-G-A. GRCh37 (hg19) VCF-style: chr1-244218490-G-A.
Other names: c.1387G>A, p.Glu463Lys (NM_001278196.2, NM_006352.5); c.*591G>A (NM_001421566.1); short protein forms E463K, E472K.
Identifiers: ClinVar variation 3773973 (VCV003773973.1).